The following is an entry in ClinVar:

ClinVar aggregate classification (germline): Uncertain significance (1 of 4 stars; one submission).

Allele frequency attached by ClinVar (database versions not stated): gnomAD exomes below 0.00001 and 0.00001; TOPMed below 0.00001; ExAC 0.00001.
gnomAD v4.1: 10 of 1,614,256 alleles (0.00062%); highest among the groups gnomAD compares: Non-Finnish European, 0.00076%; no homozygotes.

Submission:

Labcorp Genetics (formerly Invitae), Labcorp
Classification: Uncertain significance. Last evaluated: 2021-09-01. Review status: criteria provided, single submitter. Criteria: Invitae Variant Classification Sherloc (09022015). Collection method: clinical testing. Allele origin: germline.
Comment: This sequence change replaces valine with methionine at codon 1548 of the CAD protein (p.Val1548Met). The valine residue is weakly conserved and there is a small physicochemical difference between valine and methionine. This variant is present in population databases (rs763382551, ExAC 0.002%). This variant has not been reported in the literature in individuals affected with CAD-related conditions. Algorithms developed to predict the effect of missense changes on protein structure and function (SIFT, PolyPhen-2, Align-GVGD) all suggest that this variant is likely to be tolerated. In summary, the available evidence is currently insufficient to determine the role of this variant in disease. Therefore, it has been classified as a Variant of Uncertain Significance.

NM_004341.5(CAD):c.4642G>A (p.Val1548Met)

Gene: CAD (carbamoyl-phosphate synthetase 2, aspartate transcarbamylase, and dihydroorotase; plus strand). Cytogenetic location: 2p23.3.
Variant type: single nucleotide variant.
Coding change: c.4642G>A on transcript NM_004341.5 (MANE Select); coding-DNA position 4642, G replaced by A.
Protein change: p.Val1548Met; replaces valine 1548 with methionine.
Molecular consequence: missense variant.
Genome position (GRCh38, 1-based): chr2:27,237,796, G>A. VCF-style: chr2-27237796-G-A. GRCh37 (hg19) VCF-style: chr2-27460664-G-A.
Other names: c.4453G>A, p.Val1485Met (NM_001306079.2); short protein forms V1548M, V1485M.
Identifiers: ClinVar variation 1407452 (VCV001407452.5), dbSNP rs763382551, ClinGen allele CA1573600.